The following is an entry in ClinVar:

ClinVar aggregate classification (germline): Uncertain significance (1 of 4 stars; one submission).

Conditions:
Primary ciliary dyskinesia 23 (CILD23). Also called: CILIARY DYSKINESIA, PRIMARY, 23, WITH OR WITHOUT SITUS INVERSUS. Identifiers: Orphanet 244, MedGen C3809548, MONDO:0014193, OMIM 615451.

Allele frequency attached by ClinVar (database versions not stated): TOPMed below 0.00001; gnomAD 0.00002; gnomAD exomes 0.00002.
gnomAD v4.1: 29 of 1,613,190 alleles (0.0018%); highest among the groups gnomAD compares: South Asian, 0.0022%; no homozygotes.

Submission:

Labcorp Genetics (formerly Invitae), Labcorp
Classification: Uncertain significance for Primary ciliary dyskinesia 23. Last evaluated: 2022-12-06. Review status: criteria provided, single submitter. Criteria: Invitae Variant Classification Sherloc (09022015). Collection method: clinical testing. Allele origin: germline.
Comment: This sequence change replaces proline, which is neutral and non-polar, with alanine, which is neutral and non-polar, at codon 331 of the ARMC4 protein (p.Pro331Ala). This variant is present in population databases (no rsID available, gnomAD 0.007%). This variant has not been reported in the literature in individuals affected with ARMC4-related conditions. Algorithms developed to predict the effect of missense changes on protein structure and function (SIFT, PolyPhen-2, Align-GVGD) all suggest that this variant is likely to be tolerated. In summary, the available evidence is currently insufficient to determine the role of this variant in disease. Therefore, it has been classified as a Variant of Uncertain Significance.

NM_018076.5(ODAD2):c.991C>G (p.Pro331Ala)

Gene: ODAD2 (outer dynein arm docking complex subunit 2; minus strand). Cytogenetic location: 10p12.1.
Variant type: single nucleotide variant.
Coding change: c.991C>G on transcript NM_018076.5 (MANE Select); coding-DNA position 991, C replaced by G.
Protein change: p.Pro331Ala; replaces proline 331 with alanine.
Molecular consequence: missense variant. On other transcripts: intron variant (1).
Genome position (GRCh38, 1-based): chr10:27,971,259, G>C on the plus strand (C>G on the coding strand, the complement: ODAD2 is on the minus strand). VCF-style: chr10-27971259-G-C. GRCh37 (hg19) VCF-style: chr10-28260188-G-C.
Other names: c.991C>G, p.Pro331Ala (NM_001290020.2); c.67C>G, p.Pro23Ala (NM_001312689.2); c.-187-9544C>G (NM_001290021.2); short protein forms P23A, P331A.
Identifiers: ClinVar variation 2174634 (VCV002174634.3), dbSNP rs1192808838, ClinGen allele CA376394458.